The following is an entry in ClinVar:

NM_012141.3(INTS6):c.2210C>A (p.Ser737Ter)

Gene: INTS6 (integrator complex subunit 6; minus strand). Cytogenetic location: 13q14.3.
Variant type: single nucleotide variant.
Coding change: c.2210C>A on transcript NM_012141.3 (MANE Select); coding-DNA position 2210, C replaced by A.
Protein change: p.Ser737Ter; replaces serine 737 with a stop codon.
Molecular consequence: nonsense.
Genome position (GRCh38, 1-based): chr13:51,369,205, G>T on the plus strand (C>A on the coding strand, the complement: INTS6 is on the minus strand). VCF-style: chr13-51369205-G-T. GRCh37 (hg19) VCF-style: chr13-51943341-G-T.
Other names: c.2171C>A, p.Ser724Ter (NM_001039937.2); c.1676C>A, p.Ser559Ter (NM_001306091.2); short protein forms S559*, S724*, S737*.
Identifiers: ClinVar variation 4529724 (VCV004529724.1).
Genomic context (GRCh38, chr13:51,369,205, plus strand): 5'-TGACCAAGAGCCTCCATATGATTGGTTGGCCGTTCCAGTAAACTGGCTGGAGAAGATGCT[G>T]AAAATTCCGTATCCATAGCATTTGGTGTAATGTCTGATGAAAGTTGGTCTGCAACATGAT-3'

ClinVar aggregate classification (germline): Uncertain significance (1 of 4 stars; one submission).

Submission:

GeneDx
Classification: Uncertain significance. Last evaluated: 2023-10-26. Review status: criteria provided, single submitter. Criteria: GeneDx Variant Classification Process June 2021. Collection method: clinical testing. Allele origin: germline. Affected: yes.
Comment: Nonsense variant predicted to result in protein truncation or nonsense mediated decay in a gene for which loss-of-function is not an established mechanism of disease; Not observed at significant frequency in large population cohorts (gnomAD); Has not been previously published as pathogenic or benign to our knowledge; Variants in candidate genes are classified as variants of uncertain significance in accordance with ACMG guidelines (PMID: 25741868)